The following is an entry in ClinVar:

ClinVar aggregate classification (germline): Uncertain significance (1 of 4 stars; one submission).

Submission:

Labcorp Genetics (formerly Invitae), Labcorp
Classification: Uncertain significance. Last evaluated: 2024-07-24. Review status: criteria provided, single submitter. Criteria: Invitae Variant Classification Sherloc (09022015). Collection method: clinical testing. Allele origin: germline.
Comment: This sequence change replaces valine, which is neutral and non-polar, with leucine, which is neutral and non-polar, at codon 643 of the TRAF3IP1 protein (p.Val643Leu). This variant is not present in population databases (gnomAD no frequency). This variant has not been reported in the literature in individuals affected with TRAF3IP1-related conditions. ClinVar contains an entry for this variant (Variation ID: 1036185). Advanced modeling of protein sequence and biophysical properties (such as structural, functional, and spatial information, amino acid conservation, physicochemical variation, residue mobility, and thermodynamic stability) performed at Invitae indicates that this missense variant is not expected to disrupt TRAF3IP1 protein function with a negative predictive value of 80%. In summary, the available evidence is currently insufficient to determine the role of this variant in disease. Therefore, it has been classified as a Variant of Uncertain Significance.

NM_015650.4(TRAF3IP1):c.1927G>T (p.Val643Leu)

Gene: TRAF3IP1 (TRAF3 interacting protein 1; plus strand). Cytogenetic location: 2q37.3.
Variant type: single nucleotide variant.
Coding change: c.1927G>T on transcript NM_015650.4 (MANE Select); coding-DNA position 1927, G replaced by T.
Protein change: p.Val643Leu; replaces valine 643 with leucine.
Molecular consequence: missense variant.
Genome position (GRCh38, 1-based): chr2:238,398,770, G>T. VCF-style: chr2-238398770-G-T. GRCh37 (hg19) VCF-style: chr2-239307411-G-T.
Other names: c.1729G>T, p.Val577Leu (NM_001139490.1); short protein forms V577L, V643L.
Identifiers: ClinVar variation 1036185 (VCV001036185.9), dbSNP rs199907968, ClinGen allele CA351246928.